The following is an entry in ClinVar:

NM_017433.5(MYO3A):c.1400A>G (p.Asn467Ser)

Gene: MYO3A (myosin IIIA; plus strand). Cytogenetic location: 10p12.1.
Variant type: single nucleotide variant.
Coding change: c.1400A>G on transcript NM_017433.5 (MANE Select); coding-DNA position 1400, A replaced by G.
Protein change: p.Asn467Ser; replaces asparagine 467 with serine.
Molecular consequence: missense variant.
Genome position (GRCh38, 1-based): chr10:26,088,243, A>G. VCF-style: chr10-26088243-A-G. GRCh37 (hg19) VCF-style: chr10-26377172-A-G.
Other names: short protein forms N467S.
Identifiers: ClinVar variation 4694882 (VCV004694882.1).

ClinVar aggregate classification (germline): Uncertain significance (1 of 4 stars; one submission).

gnomAD v4.1: 4 of 1,612,968 alleles (0.00025%); highest among the groups gnomAD compares: Non-Finnish European, 0.00034%; no homozygotes.

Submission:

Labcorp Genetics (formerly Invitae), Labcorp
Classification: Uncertain significance. Last evaluated: 2026-01-06. Review status: criteria provided, single submitter. Criteria: Invitae Variant Classification Sherloc (09022015). Collection method: clinical testing. Allele origin: germline.
Comment: This sequence change replaces asparagine, which is neutral and polar, with serine, which is neutral and polar, at codon 467 of the MYO3A protein (p.Asn467Ser). This variant is present in population databases (rs756817412, gnomAD 0.007%). This variant has not been reported in the literature in individuals affected with MYO3A-related conditions. Invitae Evidence Modeling of protein sequence and biophysical properties (such as structural, functional, and spatial information, amino acid conservation, physicochemical variation, residue mobility, and thermodynamic stability) indicates that this missense variant is not expected to disrupt MYO3A protein function with a negative predictive value of 80%. In summary, the available evidence is currently insufficient to determine the role of this variant in disease. Therefore, it has been classified as a Variant of Uncertain Significance.